The following is an entry in ClinVar:

NM_000245.4(MET):c.1757G>T (p.Trp586Leu)

Gene: MET (MET proto-oncogene, receptor tyrosine kinase; plus strand). Cytogenetic location: 7q31.2.
Variant type: single nucleotide variant.
Coding change: c.1757G>T on transcript NM_000245.4 (MANE Select); coding-DNA position 1757, G replaced by T.
Protein change: p.Trp586Leu; replaces tryptophan 586 with leucine.
Molecular consequence: missense variant.
Genome position (GRCh38, 1-based): chr7:116,755,410, G>T. VCF-style: chr7-116755410-G-T. GRCh37 (hg19) VCF-style: chr7-116395464-G-T.
Other names: c.1757G>T, p.Trp586Leu (NM_001127500.3, NM_001324401.3); c.467G>T, p.Trp156Leu (NM_001324402.2); short protein forms W586L, W156L.
Identifiers: ClinVar variation 1779495 (VCV001779495.2), dbSNP rs2116909448, ClinGen allele CA368977732.

ClinVar aggregate classification (germline): Uncertain significance (1 of 4 stars; one submission).

Conditions:
Hereditary cancer-predisposing syndrome. Also called: Neoplastic Syndromes, Hereditary; Tumor predisposition; Hereditary Cancer Syndrome; Hereditary neoplastic syndrome. Identifiers: Orphanet 140162, MedGen C0027672, MeSH D009386, MONDO:0015356.

Submission:

Ambry Genetics
Classification: Uncertain significance for Hereditary cancer-predisposing syndrome. Last evaluated: 2022-06-27. Review status: criteria provided, single submitter. Criteria: Ambry Variant Classification Scheme 2023. Collection method: clinical testing. Allele origin: germline.
Comment: The p.W586L variant (also known as c.1757G>T), located in coding exon 5 of the MET gene, results from a G to T substitution at nucleotide position 1757. The tryptophan at codon 586 is replaced by leucine, an amino acid with similar properties. This amino acid position is highly conserved in available vertebrate species. In addition, this alteration is predicted to be deleterious by in silico analysis. Since supporting evidence is limited at this time, the clinical significance of this alteration remains unclear.